The following is an entry in ClinVar:

NM_002161.6(IARS1):c.1156C>T (p.Arg386Ter)

Gene: IARS1 (isoleucyl-tRNA synthetase 1; minus strand). Cytogenetic location: 9q22.31.
Variant type: single nucleotide variant.
Coding change: c.1156C>T on transcript NM_002161.6 (MANE Select); coding-DNA position 1156, C replaced by T.
Protein change: p.Arg386Ter; replaces arginine 386 with a stop codon.
Molecular consequence: nonsense. On other transcripts: non-coding transcript variant (1).
Genome position (GRCh38, 1-based): chr9:92,271,034, G>A on the plus strand (C>T on the coding strand, the complement: IARS1 is on the minus strand). VCF-style: chr9-92271034-G-A. GRCh37 (hg19) VCF-style: chr9-95033316-G-A.
Other names: c.1156C>T, p.Arg386Ter (NM_001374299.1, NM_001374300.1, NM_001374301.1 and 14 more transcripts); c.1219C>T, p.Arg407Ter (NM_001378569.1); c.1177C>T, p.Arg393Ter (NM_001378571.1); c.1033C>T, p.Arg345Ter (NM_001378583.1); short protein forms R345*, R386*, R393*, R407*.
Identifiers: ClinVar variation 3234592 (VCV003234592.20), dbSNP rs140292751, ClinGen allele CA5122718.

ClinVar aggregate classification (germline): Pathogenic (1 of 4 stars; one submission).

Allele frequency attached by ClinVar (database versions not stated): gnomAD exomes below 0.00001; ExAC 0.00001; ESP Exome Variant Server 0.00008.
gnomAD v4.1: 6 of 1,610,886 alleles (0.00037%); highest among the groups gnomAD compares: Non-Finnish European, 0.00051%; no homozygotes.

Submission:

CeGaT Center for Human Genetics Tuebingen
Classification: Pathogenic. Last evaluated: 2024-04-01. Review status: criteria provided, single submitter. Criteria: CeGaT Center For Human Genetics Tuebingen Variant Classification Criteria Version 2. Collection method: clinical testing. Allele origin: germline. Affected: yes. Observed: 1 variant allele.
Comment: IARS1: PVS1, PM2